The following is an entry in ClinVar:

ClinVar aggregate classification (germline): Likely benign. Review status: criteria provided, multiple submitters, no conflicts (2 of 4 stars). 4 submissions from 4 submitters: Likely benign (2). 2 of the submissions do not count toward it. Last evaluated 2025-12-01.

Conditions:
FITM2-related disorder. Also called: FITM2-related condition.

Allele frequency attached by ClinVar (database versions not stated): gnomAD exomes 0.00019 and 0.00046; ExAC 0.00063; gnomAD 0.00177 and 0.00190; ESP Exome Variant Server 0.00200; TOPMed 0.00222; 1000 Genomes Project 0.00280; 1000 Genomes Project 30x 0.00312.
gnomAD v4.1: 583 of 1,613,666 alleles (0.036%); highest among the groups gnomAD compares: African/African-American, 0.62%; 6 homozygotes.

Submissions (4):

CeGaT Center for Human Genetics Tuebingen
Classification: Likely benign. Last evaluated: 2025-12-01. Review status: criteria provided, single submitter. Criteria: CeGaT Center For Human Genetics Tuebingen Variant Classification Criteria Version 2. Collection method: clinical testing. Allele origin: germline. Affected: yes. Observed: 1 variant allele.
Comment: FITM2: BP4, BS2

GeneDx
Classification: Likely benign. Last evaluated: 2021-05-11. Review status: criteria provided, single submitter. Criteria: GeneDx Variant Classification Process June 2021. Collection method: clinical testing. Allele origin: germline. Affected: yes.

PreventionGenetics, part of Exact Sciences
Classification: Likely benign for FITM2-related condition. Last evaluated: 2019-12-11. Review status: no assertion criteria provided. Collection method: clinical testing. Allele origin: germline. Not counted in ClinVar's aggregate classification.
Comment: This variant is classified as likely benign based on ACMG/AMP sequence variant interpretation guidelines (Richards et al. 2015 PMID: 25741868, with internal and published modifications).

Department of Pathology and Laboratory Medicine, Sinai Health System
Classification: Uncertain significance. Review status: no assertion criteria provided. Collection method: clinical testing. Allele origin: unknown. Affected: yes. Study: The Canadian Open Genetics Repository (COGR). Not counted in ClinVar's aggregate classification.
Comment: The FITM2 p.D258G variant was not identified in the literature nor was it identified in ClinVar. The variant was identified in dbSNP (ID: rs142318812) and in control databases in 174 of 282508 chromosomes (0 homozygous) at a frequency of 0.0006159, and was observed at the highest frequency in the African population in 157 of 24834 chromosomes (freq: 0.006322) (Genome Aggregation Database March 6, 2019, v2.1.1). The p.D258 residue is not conserved in mammals and computational analyses (MUT Assesor, PolyPhen-2, SIFT, MutationTaster, Revel, FATHMM, MetaLR, DANN) do not suggest a high likelihood of impact to the protein; however this information is not predictive enough to rule out pathogenicity. The variant occurs outside of the splicing consensus sequence and in silico or computational prediction software programs (Splice AI exome) do not predict a difference in splicing. In summary, based on the above information the clinical significance of this variant cannot be determined with certainty at this time. This variant is classified as a variant of uncertain significance.

NM_001080472.4(FITM2):c.773A>G (p.Asp258Gly)

Gene: FITM2 (fat storage inducing transmembrane protein 2; minus strand). Cytogenetic location: 20q13.12.
Variant type: single nucleotide variant.
Coding change: c.773A>G on transcript NM_001080472.4 (MANE Select); coding-DNA position 773, A replaced by G.
Protein change: p.Asp258Gly; replaces aspartic acid 258 with glycine.
Molecular consequence: missense variant.
Genome position (GRCh38, 1-based): chr20:44,306,641, T>C on the plus strand (A>G on the coding strand, the complement: FITM2 is on the minus strand). VCF-style: chr20-44306641-T-C. GRCh37 (hg19) VCF-style: chr20-42935281-T-C.
Other names: c.773A>G (NM_001080472.3); short protein forms D258G.
Identifiers: ClinVar variation 1049130 (VCV001049130.10), dbSNP rs142318812, ClinGen allele CA9869534.